The following is an entry in ClinVar:

NM_000038.6(APC):c.1545_1548+8del

Gene: APC (APC regulator of Wnt signaling pathway; plus strand). Cytogenetic location: 5q22.2.
Variant type: Deletion.
Coding change: c.1545_1548+8del on transcript NM_000038.6 (MANE Select); coding-DNA position 1545 through 8 bases into the intron after coding-DNA position 1548, 12 bases deleted (CAAGGTATGTTT).
Molecular consequence: splice donor variant.
Genome position (GRCh38, 1-based): chr5:112,827,244-112,827,255, CAAGGTATGTTT deleted. VCF-style (leftmost placement, unchanged base first): chr5-112827243-ACAAGGTATGTTT-A. GRCh37 (hg19) VCF-style: chr5-112162940-ACAAGGTATGTTT-A.
Other names: c.696_699+8del (NM_001407470.1, NM_001354906.2); c.393_396+8del (NM_001407472.1, NM_001407471.1); c.1599_1602+8del (NM_001407447.1, NM_001407448.1, NM_001407449.1 and 1 more transcripts); c.1545_1548+8del (NM_001354895.2, NM_001407450.1, NM_001127510.3); c.1296_1299+8del (NM_001407456.1, NM_001407457.1, NM_001407455.1 and 1 more transcripts); c.1242_1245+8del (NM_001407460.1, NM_001407458.1, NM_001407459.1 and 1 more transcripts); c.1515_1518+8del (NM_001407452.1); c.1158_1161+8del (NM_001407469.1, NM_001407467.1); and 11 more.
Identifiers: ClinVar variation 2583790 (VCV002583790.1), dbSNP rs2533203872, ClinGen allele CA2582341347.

ClinVar aggregate classification (germline): Likely pathogenic (1 of 4 stars; one submission).

Conditions:
Familial adenomatous polyposis 1 (FAP1). Also called: FAMILIAL ADENOMATOUS POLYPOSIS 1, ATTENUATED; POLYPOSIS, ADENOMATOUS INTESTINAL. Identifiers: MedGen C2713442, MONDO:0021056, OMIM 175100. Disease mechanism: loss of function.

Submission:

Myriad Genetics, Inc.
Classification: Likely pathogenic for Familial adenomatous polyposis 1. Last evaluated: 2023-05-02. Review status: criteria provided, single submitter. Criteria: Myriad Autosomal Dominant, Autosomal Recessive and X-Linked Classification Criteria (2023). Collection method: clinical testing. Allele origin: unknown.
Comment: This variant is considered likely pathogenic. This variant occurs within a consensus splice junction and is predicted to result in abnormal mRNA splicing of either an out-of-frame exon or an in-frame exon necessary for protein stability and/or normal function.